The following is an entry in ClinVar:

NM_006846.4(SPINK5):c.2208CAA[1] (p.Asn738del)

Gene: SPINK5 (serine peptidase inhibitor Kazal type 5; plus strand). Cytogenetic location: 5q32.
Variant type: Microsatellite.
Coding change: c.2208CAA[1] on transcript NM_006846.4 (MANE Select); one copy of the 3-base unit CAA starting at c.2208; the reference has two copies in a row; one copy, 3 bases deleted.
Protein change: p.Asn738del; deletes asparagine 738.
Molecular consequence: inframe deletion.
Genome position (GRCh38, 1-based): chr5:148,118,535-148,118,537, CAA deleted; deleting any 3 consecutive bases within chr5:148,118,531-148,118,537 gives the same sequence; the position shown is the placement nearest the transcript's 3' end. VCF-style (leftmost placement, unchanged base first): chr5-148118530-TACA-T. GRCh37 (hg19) VCF-style: chr5-147498093-TACA-T.
Other names: c.2208CAA[1], p.Asn738del (NM_001127698.2, NM_001127699.2); c.2211_2213delCAA (NM_006846.3); short protein forms N738del.
Identifiers: ClinVar variation 451079 (VCV000451079.7), dbSNP rs781321238, ClinGen allele CA3495895.

ClinVar aggregate classification (germline): Uncertain significance. Review status: criteria provided, multiple submitters, no conflicts (2 of 4 stars). 3 submissions from 3 submitters: Uncertain significance (3). Last evaluated 2025-08-20.

Conditions:
Ichthyosis linearis circumflexa. Identifiers: MedGen C0265962, MONDO:0043106, HP:0025810.

Submissions (3):

Labcorp Genetics (formerly Invitae), Labcorp
Classification: Uncertain significance for Ichthyosis linearis circumflexa. Last evaluated: 2025-08-20. Review status: criteria provided, single submitter. Criteria: Invitae Variant Classification Sherloc (09022015). Collection method: clinical testing. Allele origin: germline.
Comment: This variant, c.2211_2213del, results in the deletion of 1 amino acid(s) of the SPINK5 protein (p.Asn738del), but otherwise preserves the integrity of the reading frame. This variant is present in population databases (rs781321238, gnomAD 0.006%). This variant has not been reported in the literature in individuals affected with SPINK5-related conditions. Experimental studies and prediction algorithms are not available or were not evaluated, and the functional significance of this variant is currently unknown. In summary, the available evidence is currently insufficient to determine the role of this variant in disease. Therefore, it has been classified as a Variant of Uncertain Significance.

GeneDx
Classification: Uncertain significance. Last evaluated: 2017-07-31. Review status: criteria provided, single submitter. Criteria: GeneDx Variant Classification (06012015). Collection method: clinical testing. Allele origin: germline. Affected: yes.
Comment: The c.2211_2213delCAA variant has not been published as a pathogenic variant, nor has it been reported as a benign variant to our knowledge. The variant is not observed at a significant frequency in large population cohorts (Lek et al., 2016; 1000 Genomes Consortium et al., 2015; Exome Variant Server). The variant results in the in-frame deletion of the Asparagine at codon 738, a residue which is not conserved. In summary, based on the currently available information, it is unclear whether this variant is a pathogenic variant or a rare benign variant.

Breakthrough Genomics
Classification: Uncertain significance. Review status: criteria provided, single submitter. Criteria: ACMG Guidelines, 2015. Collection method: not provided. Allele origin: germline. Inheritance: Autosomal recessive inheritance. Affected: yes.